The following is an entry in ClinVar:

NM_198904.4(GABRG2):c.*343A>G

Gene: GABRG2 (gamma-aminobutyric acid type A receptor subunit gamma2; plus strand). Cytogenetic location: 5q34.
Variant type: single nucleotide variant.
Coding change: c.*343A>G on transcript NM_198904.4 (MANE Select); 343 bases downstream of the stop codon, A replaced by G.
Molecular consequence: 3 prime UTR variant.
Genome position (GRCh38, 1-based): chr5:162,153,711, A>G. VCF-style: chr5-162153711-A-G. GRCh37 (hg19) VCF-style: chr5-161580717-A-G.
Other names: c.*343A>G (NM_000816.3, NM_001375339.1, NM_001375341.1 and 10 more transcripts); c.*605A>G (NM_001375340.1).
Identifiers: ClinVar variation 352651 (VCV000352651.5), dbSNP rs41275341, ClinGen allele CA10624061.

ClinVar aggregate classification (germline): Likely benign (1 of 4 stars; one submission).

Conditions:
EPILEPSY, CHILDHOOD ABSENCE, SUSCEPTIBILITY TO, 2 (ECA2). Identifiers: Orphanet 64280, MedGen C1843244, OMIM 607681.

Allele frequency attached by ClinVar (database versions not stated): TOPMed 0.00321; gnomAD 0.00432 and 0.00466; 1000 Genomes Project 30x 0.00562; 1000 Genomes Project 0.00579; gnomAD exomes 0.00643.
gnomAD v4.1: 2,059 of 363,110 alleles (0.57%); highest among the groups gnomAD compares: South Asian, 1.6%; 21 homozygotes.

Submission:

Illumina Laboratory Services, Illumina
Classification: Likely benign for Febrile seizures, familial, 8. Last evaluated: 2018-01-13. Review status: criteria provided, single submitter. Criteria: ICSL Variant Classification Criteria 13 December 2019. Collection method: clinical testing. Allele origin: germline.
Comment: This variant was observed in the ICSL laboratory as part of a predisposition screen in an ostensibly healthy population. It had not been previously curated by ICSL or reported in the Human Gene Mutation Database (HGMD: prior to June 1st, 2018), and was therefore a candidate for classification through an automated scoring system. Utilizing variant allele frequency, disease prevalence and penetrance estimates, and inheritance mode, an automated score was calculated to assess if this variant is too frequent to cause the disease. Based on the score and internal cut-off values, a variant classified as likely benign is not then subjected to further curation. The score for this variant resulted in a classification of likely benign for this disease.